The following is an entry in ClinVar:

NM_006946.4(SPTBN2):c.1495A>T (p.Ile499Phe)

Gene: SPTBN2 (spectrin beta, non-erythrocytic 2; minus strand). Cytogenetic location: 11q13.2.
Variant type: single nucleotide variant.
Coding change: c.1495A>T on transcript NM_006946.4 (MANE Select); coding-DNA position 1495, A replaced by T.
Protein change: p.Ile499Phe; replaces isoleucine 499 with phenylalanine.
Molecular consequence: missense variant.
Genome position (GRCh38, 1-based): chr11:66,707,674, T>A on the plus strand (A>T on the coding strand, the complement: SPTBN2 is on the minus strand). VCF-style: chr11-66707674-T-A. GRCh37 (hg19) VCF-style: chr11-66475145-T-A.
Other names: short protein forms I499F.
Identifiers: ClinVar variation 1399704 (VCV001399704.8), dbSNP rs370108116, ClinGen allele CA6129353.

ClinVar aggregate classification (germline): Uncertain significance (1 of 4 stars; one submission).

Allele frequency attached by ClinVar (database versions not stated): gnomAD 0.00001 and 0.00017; ESP Exome Variant Server 0.00008; TOPMed 0.00024.

Submission:

Labcorp Genetics (formerly Invitae), Labcorp
Classification: Uncertain significance. Last evaluated: 2021-05-10. Review status: criteria provided, single submitter. Criteria: Invitae Variant Classification Sherloc (09022015). Collection method: clinical testing. Allele origin: germline.
Comment: In summary, the available evidence is currently insufficient to determine the role of this variant in disease. Therefore, it has been classified as a Variant of Uncertain Significance. Advanced modeling of protein sequence and biophysical properties (such as structural, functional, and spatial information, amino acid conservation, physicochemical variation, residue mobility, and thermodynamic stability) performed at Invitae indicates that this missense variant is not expected to disrupt SPTBN2 protein function. This variant has not been reported in the literature in individuals with SPTBN2-related conditions. This variant is present in population databases (rs370108116, ExAC 0.003%). This sequence change replaces isoleucine with phenylalanine at codon 499 of the SPTBN2 protein (p.Ile499Phe). The isoleucine residue is moderately conserved and there is a small physicochemical difference between isoleucine and phenylalanine.